The following is an entry in ClinVar:

NM_025179.4(PLXNA2):c.4501-6T>C

Gene: PLXNA2 (plexin A2; minus strand). Cytogenetic location: 1q32.2.
Variant type: single nucleotide variant.
Coding change: c.4501-6T>C on transcript NM_025179.4 (MANE Select); 6 bases into the intron before coding-DNA position 4501, T replaced by C.
Molecular consequence: intron variant.
Genome position (GRCh38, 1-based): chr1:208,038,990, A>G on the plus strand (T>C on the coding strand, the complement: PLXNA2 is on the minus strand). VCF-style: chr1-208038990-A-G. GRCh37 (hg19) VCF-style: chr1-208212335-A-G.
Identifiers: ClinVar variation 780791 (VCV000780791.13), dbSNP rs111507533, ClinGen allele CA1372854.

ClinVar aggregate classification (germline): Benign. Review status: criteria provided, multiple submitters, no conflicts (2 of 4 stars). 3 submissions from 3 submitters: Benign (3). Last evaluated 2026-06-05.

Conditions:
PLXNA2-related disorder. Also called: PLXNA2-related condition.

Allele frequency attached by ClinVar (database versions not stated): gnomAD exomes 0.00182 and 0.00464; ExAC 0.00558; gnomAD 0.01699 and 0.01781; ESP Exome Variant Server 0.01884; TOPMed 0.01901; 1000 Genomes Project 0.02057; 1000 Genomes Project 30x 0.02124.
gnomAD v4.1: 5,428 of 1,613,018 alleles (0.34%); highest among the groups gnomAD compares: African/African-American, 5.8%; 159 homozygotes.

Submissions (3):

PreventionGenetics, part of Exact Sciences
Classification: Benign for PLXNA2-related condition. Last evaluated: 2026-06-05. Review status: criteria provided, single submitter. Criteria: ACMG Guidelines, 2015. Collection method: clinical testing. Allele origin: germline.
Comment: This variant is classified as benign based on ACMG/AMP sequence variant interpretation guidelines (Richards et al. 2015 PMID: 25741868, with internal and published modifications).

Labcorp Genetics (formerly Invitae), Labcorp
Classification: Benign. Last evaluated: 2025-12-23. Review status: criteria provided, single submitter. Criteria: Invitae Variant Classification Sherloc (09022015). Collection method: clinical testing. Allele origin: germline.

Breakthrough Genomics
Classification: Benign. Review status: criteria provided, single submitter. Criteria: ACMG Guidelines, 2015. Collection method: not provided. Allele origin: germline. Inheritance: Unknown mechanism. Affected: yes.